The following is an entry in ClinVar:

ClinVar aggregate classification (germline): Uncertain significance (1 of 4 stars; one submission).

gnomAD v4.1: 1 of 1,613,142 alleles (0.000062%); highest among the groups gnomAD compares: Non-Finnish European, 0.000085%; no homozygotes.

Submission:

Labcorp Genetics (formerly Invitae), Labcorp
Classification: Uncertain significance. Last evaluated: 2024-03-03. Review status: criteria provided, single submitter. Criteria: Invitae Variant Classification Sherloc (09022015). Collection method: clinical testing. Allele origin: germline.
Comment: This sequence change falls in intron 31 of the ITPR1 gene. It does not directly change the encoded amino acid sequence of the ITPR1 protein. It affects a nucleotide within the consensus splice site. This variant is not present in population databases (gnomAD no frequency). This variant has not been reported in the literature in individuals affected with ITPR1-related conditions. Variants that disrupt the consensus splice site are a relatively common cause of aberrant splicing (PMID: 17576681, 9536098). Algorithms developed to predict the effect of sequence changes on RNA splicing suggest that this variant is not likely to affect RNA splicing. In summary, the available evidence is currently insufficient to determine the role of this variant in disease. Therefore, it has been classified as a Variant of Uncertain Significance.

Literature cited by the submitters: PubMed 17576681; PubMed 9536098.

NM_001378452.1(ITPR1):c.4030-3T>C

Gene: ITPR1 (inositol 1,4,5-trisphosphate receptor type 1; plus strand). Cytogenetic location: 3p26.1.
Variant type: single nucleotide variant.
Coding change: c.4030-3T>C on transcript NM_001378452.1 (MANE Select); 3 bases into the intron before coding-DNA position 4030, T replaced by C.
Molecular consequence: intron variant.
Genome position (GRCh38, 1-based): chr3:4,693,487, T>C. VCF-style: chr3-4693487-T-C. GRCh37 (hg19) VCF-style: chr3-4735171-T-C.
Other names: c.4003-3T>C (NM_001099952.4); c.3985-3T>C (NM_001168272.2); c.3958-3T>C (NM_002222.7).
Identifiers: ClinVar variation 3640455 (VCV003640455.2).
Genomic context (GRCh38, chr3:4,693,487, plus strand): 5'-TTTTTTTCATGCTGCCCCACCCCTGCAAGCTTGTAATCTAAACCCACCCTGTTCTTTATG[T>C]AGCTGGTCAATTCGGGAGAGGATGTCCTCGTGTTCTACAACGACAGAGCCTCTTTCCAGA-3'